The following is an entry in ClinVar:

NM_000088.4(COL1A1):c.2938-1G>C

Gene: COL1A1 (collagen type I alpha 1 chain; minus strand). Cytogenetic location: 17q21.33.
Variant type: single nucleotide variant.
Coding change: c.2938-1G>C on transcript NM_000088.4 (MANE Select); the canonical splice acceptor site of the intron before coding-DNA position 2938, G replaced by C.
Molecular consequence: splice acceptor variant.
Genome position (GRCh38, 1-based): chr17:50,189,011, C>G on the plus strand (G>C on the coding strand, the complement: COL1A1 is on the minus strand). VCF-style: chr17-50189011-C-G. GRCh37 (hg19) VCF-style: chr17-48266372-C-G.
Identifiers: ClinVar variation 2025868 (VCV002025868.4), dbSNP rs2509180826, ClinGen allele CA400204452.

ClinVar aggregate classification (germline): Pathogenic (1 of 4 stars; one submission).

Conditions:
Osteogenesis imperfecta type I (OI1). Also called: Lobstein disease; OI, TYPE I; OSTEOGENESIS IMPERFECTA TARDA; OSTEOGENESIS IMPERFECTA WITH BLUE SCLERAE; Osteogenesis imperfecta type 1; Classic Non-deforming Osteogenesis Imperfecta with Blue Sclerae. Identifiers: Orphanet 216796, Orphanet 666, MedGen C0023931, MONDO:0008146, OMIM 166200. Disease mechanism: loss of function.

Submission:

Labcorp Genetics (formerly Invitae), Labcorp
Classification: Pathogenic for Osteogenesis imperfecta type I. Last evaluated: 2022-09-24. Review status: criteria provided, single submitter. Criteria: Invitae Variant Classification Sherloc (09022015). Collection method: clinical testing. Allele origin: germline.
Comment: This sequence change affects an acceptor splice site in intron 40 of the COL1A1 gene. It is expected to disrupt RNA splicing. Variants that disrupt the donor or acceptor splice site typically lead to a loss of protein function (PMID: 16199547), and loss-of-function variants in COL1A1 are known to be pathogenic (PMID: 7942841, 9295084, 9443882). This variant is not present in population databases (gnomAD no frequency). Disruption of this splice site has been observed in individuals with osteogenesis imperfecta (PMID: 25963598). Algorithms developed to predict the effect of sequence changes on RNA splicing suggest that this variant may disrupt the consensus splice site. For these reasons, this variant has been classified as Pathogenic.

Literature cited by the submitters: PubMed 16199547; PubMed 7942841; PubMed 9295084; PubMed 9443882; PubMed 25963598.